The following is an entry in ClinVar:

NM_007074.4(CORO1A):c.877C>T (p.Arg293Trp)

Gene: CORO1A (coronin 1A; plus strand). Cytogenetic location: 16p11.2.
Variant type: single nucleotide variant.
Coding change: c.877C>T on transcript NM_007074.4 (MANE Select); coding-DNA position 877, C replaced by T.
Protein change: p.Arg293Trp; replaces arginine 293 with tryptophan.
Molecular consequence: missense variant.
Genome position (GRCh38, 1-based): chr16:30,187,957, C>T. VCF-style: chr16-30187957-C-T. GRCh37 (hg19) VCF-style: chr16-30199278-C-T.
Other names: c.877C>T (NM_007074.3); c.877C>T, p.Arg293Trp (NM_001193333.3); short protein forms R293W.
Identifiers: ClinVar variation 1063698 (VCV001063698.10), dbSNP rs1262973323, ClinGen allele CA395497420.

ClinVar aggregate classification (germline): Uncertain significance. Review status: criteria provided, multiple submitters, no conflicts (2 of 4 stars). 2 submissions from 2 submitters: Uncertain significance (2). Last evaluated 2023-12-09.

Conditions:
Inborn genetic diseases. Identifiers: MedGen C0950123, MeSH D030342.
Severe combined immunodeficiency due to CORO1A deficiency. Also called: IMMUNODEFICIENCY 8 WITH LYMPHOPROLIFERATION; Immunodeficiency 8. Identifiers: Orphanet 228003, MedGen C3809383, MONDO:0014168, OMIM 615401.

Allele frequency attached by ClinVar (database versions not stated): gnomAD exomes below 0.00001; TOPMed below 0.00001; gnomAD 0.00001.

Submissions (2):

Ambry Genetics
Classification: Uncertain significance for Inborn genetic diseases. Last evaluated: 2023-12-09. Review status: criteria provided, single submitter. Criteria: Ambry Variant Classification Scheme 2023. Collection method: clinical testing. Allele origin: germline.

Labcorp Genetics (formerly Invitae), Labcorp
Classification: Uncertain significance for Severe combined immunodeficiency due to CORO1A deficiency. Last evaluated: 2020-04-20. Review status: criteria provided, single submitter. Criteria: Invitae Variant Classification Sherloc (09022015). Collection method: clinical testing. Allele origin: germline.
Comment: This sequence change replaces arginine with tryptophan at codon 293 of the CORO1A protein (p.Arg293Trp). The arginine residue is highly conserved and there is a moderate physicochemical difference between arginine and tryptophan. This variant is not present in population databases (ExAC no frequency). This variant has not been reported in the literature in individuals with CORO1A-related conditions. Algorithms developed to predict the effect of missense changes on protein structure and function (SIFT, PolyPhen-2, Align-GVGD) all suggest that this variant is likely to be disruptive, but these predictions have not been confirmed by published functional studies and their clinical significance is uncertain. In summary, the available evidence is currently insufficient to determine the role of this variant in disease. Therefore, it has been classified as a Variant of Uncertain Significance.